The following is an entry in ClinVar:

ClinVar aggregate classification (germline): Pathogenic (1 of 4 stars; one submission).

Conditions:
Gorlin syndrome. Also called: Basal cell nevus syndrome; Nevoid Basal Cell Carcinoma Syndrome. Identifiers: Orphanet 377, MedGen C0004779, MONDO:0007187.

Submission:

Labcorp Genetics (formerly Invitae), Labcorp
Classification: Pathogenic for Gorlin syndrome. Last evaluated: 2018-07-25. Review status: criteria provided, single submitter. Criteria: Invitae Variant Classification Sherloc (09022015). Collection method: clinical testing. Allele origin: germline.
Comment: This sequence change creates a premature translational stop signal (p.His671Profs*23) in the PTCH1 gene. It is expected to result in an absent or disrupted protein product. This variant is not present in population databases (ExAC no frequency). This variant has not been reported in the literature in individuals with PTCH1-related disease. Loss-of-function variants in PTCH1 are known to be pathogenic (PMID: 16301862, 16419085). For these reasons, this variant has been classified as Pathogenic.

Literature cited by the submitters: PubMed 16301862; PubMed 16419085.

NM_000264.5(PTCH1):c.2010_2011dup (p.His671fs)

Genes: PTCH1 (patched 1; minus strand), LOC100507346 (uncharacterized LOC100507346; plus strand). Cytogenetic location: 9q22.32.
Variant type: Duplication.
Coding change: c.2010_2011dup on transcript NM_000264.5 (MANE Select); coding-DNA positions 2010 to 2011, 2 bases duplicated (CC; older notation c.2010_2011dupCC).
Protein change: p.His671fs; shifts the reading frame from histidine 671.
Molecular consequence: frameshift variant. On other transcripts: non-coding transcript variant (2).
Genome position (GRCh38, 1-based): chr9:95,468,990-95,468,991, GG duplicated on the plus strand (CC on the coding strand, the reverse complement: PTCH1 is on the minus strand); duplicating any 2 consecutive bases within chr9:95,468,990-95,468,994 gives the same sequence; the c. name uses the placement nearest the transcript's 3' end. VCF-style (leftmost placement, unchanged base first): chr9-95468989-T-TGG. GRCh37 (hg19) VCF-style: chr9-98231271-T-TGG.
Other names: c.1812_1813dup, p.His605fs (NM_001083602.3); c.2007_2008dup, p.His670fs (NM_001083603.3); c.1557_1558dup, p.His520fs (NM_001083604.3, NM_001083605.3, NM_001083606.3 and 1 more transcripts); c.1854_1855dup, p.His619fs (NM_001354918.2); short protein forms H619fs, H671fs, H605fs, H520fs, H670fs.
Identifiers: ClinVar variation 645650 (VCV000645650.2), dbSNP rs1554695110, ClinGen allele CA915947049.